The following is an entry in ClinVar:

NM_001563.4(IMPG1):c.1071del (p.Arg357fs)

Gene: IMPG1 (interphotoreceptor matrix proteoglycan 1; minus strand). Cytogenetic location: 6q14.1.
Variant type: Deletion.
Coding change: c.1071del on transcript NM_001563.4 (MANE Select); coding-DNA position 1071, one base deleted (G; older notation c.1071delG).
Protein change: p.Arg357fs; shifts the reading frame from arginine 357.
Molecular consequence: frameshift variant.
Genome position (GRCh38, 1-based): chr6:76,005,351, C deleted on the plus strand (G on the coding strand, the reverse complement: IMPG1 is on the minus strand); the first of 2 consecutive C bases (chr6:76,005,351-76,005,352); deleting either gives the same sequence. VCF-style (leftmost placement, unchanged base first): chr6-76005350-GC-G. GRCh37 (hg19) VCF-style: chr6-76715067-GC-G.
Other names: c.837del, p.Arg279fs (NM_001282368.2); short protein forms R279fs, R357fs.
Identifiers: ClinVar variation 5007096 (VCV005007096.2).

ClinVar aggregate classification (germline): Likely pathogenic (1 of 4 stars; one submission).

Conditions:
Benign concentric annular macular dystrophy. Identifiers: Orphanet 251287, MedGen C5561925, MONDO:0007934, OMIM 153870.
Vitelliform macular dystrophy 4. Identifiers: Orphanet 99000, MedGen C4015342, MONDO:0014508, OMIM 616151.

Submission:

Juno Genomics, Hangzhou Juno Genomics, Inc
Classification: Likely pathogenic for Vitelliform macular dystrophy 4; Benign concentric annular macular dystrophy. Review status: criteria provided, single submitter. Criteria: ACMG Guidelines, 2015. Collection method: clinical testing. Allele origin: germline.
Comment: Null variant in a gene where loss of function (LOF) is a known mechanism of disease.;Absent from controls (or at extremely low frequency if recessive) in Genome Aggregation Database.